The following is an entry in ClinVar:

ClinVar aggregate classification (germline): Uncertain significance (1 of 4 stars; one submission).

Conditions:
Developmental and epileptic encephalopathy, 36 (DEE36). Also called: Congenital disorder of glycosylation, type Is; ALG13-CDG; Epileptic encephalopathy, early infantile, 36. Identifiers: Orphanet 324422, MedGen C4317295, MONDO:0010472, OMIM 300884.

Submission:

Labcorp Genetics (formerly Invitae), Labcorp
Classification: Uncertain significance for Developmental and epileptic encephalopathy, 36. Last evaluated: 2021-06-18. Review status: criteria provided, single submitter. Criteria: Invitae Variant Classification Sherloc (09022015). Collection method: clinical testing. Allele origin: germline.
Comment: This variant is not present in population databases (ExAC no frequency). In summary, the available evidence is currently insufficient to determine the role of this variant in disease. Therefore, it has been classified as a Variant of Uncertain Significance. Algorithms developed to predict the effect of sequence changes on RNA splicing suggest that this variant may create or strengthen a splice site, but this prediction has not been confirmed by published transcriptional studies. Algorithms developed to predict the effect of missense changes on protein structure and function (SIFT, PolyPhen-2, Align-GVGD) all suggest that this variant is likely to be tolerated, but these predictions have not been confirmed by published functional studies and their clinical significance is uncertain. This variant has not been reported in the literature in individuals with ALG13-related conditions. This sequence change replaces glycine with arginine at codon 144 of the ALG13 protein (p.Gly144Arg). The glycine residue is weakly conserved and there is a moderate physicochemical difference between glycine and arginine.

NM_001099922.3(ALG13):c.430G>A (p.Gly144Arg)

Gene: ALG13 (ALG13 UDP-N-acetylglucosaminyltransferase subunit; plus strand). Cytogenetic location: Xq23.
Variant type: single nucleotide variant.
Coding change: c.430G>A on transcript NM_001099922.3 (MANE Select); coding-DNA position 430, G replaced by A.
Protein change: p.Gly144Arg; replaces glycine 144 with arginine.
Molecular consequence: missense variant. On other transcripts: non-coding transcript variant (1).
Genome position (GRCh38, 1-based): chrX:111,708,073, G>A. VCF-style: chrX-111708073-G-A. GRCh37 (hg19) VCF-style: chrX-110951301-G-A.
Other names: c.118G>A, p.Gly40Arg (NM_001257230.2, NM_001257234.2, NM_001257237.2 and 1 more transcripts); c.196G>A, p.Gly66Arg (NM_001257231.2); c.430G>A, p.Gly144Arg (NM_001324292.2); short protein forms G144R, G40R, G66R.
Identifiers: ClinVar variation 1362093 (VCV001362093.8), dbSNP rs1452792292, ClinGen allele CA414249289.